The following is an entry in ClinVar:

NM_001042492.3(NF1):c.415T>C (p.Ser139Pro)

Gene: NF1 (neurofibromin 1; plus strand). Cytogenetic location: 17q11.2.
Variant type: single nucleotide variant.
Coding change: c.415T>C on transcript NM_001042492.3 (MANE Select); coding-DNA position 415, T replaced by C.
Protein change: p.Ser139Pro; replaces serine 139 with proline.
Molecular consequence: missense variant.
Genome position (GRCh38, 1-based): chr17:31,163,312, T>C. VCF-style: chr17-31163312-T-C. GRCh37 (hg19) VCF-style: chr17-29490330-T-C.
Other names: c.415T>C, p.Ser139Pro (NM_001128147.3, NM_000267.4); short protein forms S139P.
Identifiers: ClinVar variation 484095 (VCV000484095.8), dbSNP rs1555606096, ClinGen allele CA398981900.

ClinVar aggregate classification (germline): Uncertain significance. Review status: criteria provided, multiple submitters, no conflicts (2 of 4 stars). 3 submissions from 3 submitters: Uncertain significance (3). Last evaluated 2024-04-10.

Conditions:
Cardiovascular phenotype. Identifiers: MedGen CN230736.
Hereditary cancer-predisposing syndrome. Also called: Hereditary neoplastic syndrome; Neoplastic Syndromes, Hereditary; Tumor predisposition; Hereditary Cancer Syndrome. Identifiers: Orphanet 140162, MedGen C0027672, MeSH D009386, MONDO:0015356.
Neurofibromatosis, type 1 (NF1). Also called: VON RECKLINGHAUSEN DISEASE; Peripheral type neurofibromatosis; NEUROFIBROMATOSIS, TYPE I, SOMATIC; Neurofibromatosis, type I. Identifiers: Orphanet 636, MedGen C0027831, MONDO:0018975, OMIM 162200. Disease mechanism: loss of function.

Submissions (3):

Labcorp Genetics (formerly Invitae), Labcorp
Classification: Uncertain significance for Neurofibromatosis, type 1. Last evaluated: 2024-04-10. Review status: criteria provided, single submitter. Criteria: Invitae Variant Classification Sherloc (09022015). Collection method: clinical testing. Allele origin: germline.
Comment: This sequence change replaces serine, which is neutral and polar, with proline, which is neutral and non-polar, at codon 139 of the NF1 protein (p.Ser139Pro). This variant is not present in population databases (gnomAD no frequency). This variant has not been reported in the literature in individuals affected with NF1-related conditions. ClinVar contains an entry for this variant (Variation ID: 484095). Advanced modeling of protein sequence and biophysical properties (such as structural, functional, and spatial information, amino acid conservation, physicochemical variation, residue mobility, and thermodynamic stability) performed at Invitae indicates that this missense variant is expected to disrupt NF1 protein function with a positive predictive value of 95%. In summary, the available evidence is currently insufficient to determine the role of this variant in disease. Therefore, it has been classified as a Variant of Uncertain Significance.

GeneDx
Classification: Uncertain significance. Last evaluated: 2022-11-23. Review status: criteria provided, single submitter. Criteria: GeneDx Variant Classification Process June 2021. Collection method: clinical testing. Allele origin: germline. Affected: yes.
Comment: Not observed at significant frequency in large population cohorts (gnomAD); In silico analysis supports that this missense variant has a deleterious effect on protein structure/function; Has not been previously published as pathogenic or benign to our knowledge

Ambry Genetics
Classification: Uncertain significance for Cardiovascular phenotype; Hereditary cancer-predisposing syndrome. Last evaluated: 2022-04-25. Review status: criteria provided, single submitter. Criteria: Ambry Variant Classification Scheme 2023. Collection method: clinical testing. Allele origin: germline.
Comment: The p.S139P variant (also known as c.415T>C), located in coding exon 4 of the NF1 gene, results from a T to C substitution at nucleotide position 415. The serine at codon 139 is replaced by proline, an amino acid with similar properties. This amino acid position is highly conserved in available vertebrate species. In addition, this alteration is predicted to be deleterious by in silico analysis. Since supporting evidence is limited at this time, the clinical significance of this alteration remains unclear.